The following is an entry in ClinVar:

ClinVar aggregate classification (germline): Likely benign (1 of 4 stars; one submission).

Conditions:
FANCI-related disorder. Also called: FANCI-related condition.

gnomAD v4.1: 3 of 1,364,420 alleles (0.00022%); highest among the groups gnomAD compares: Admixed American, 0.0034%; no homozygotes.

Submission:

PreventionGenetics, part of Exact Sciences
Classification: Likely benign for FANCI-related condition. Last evaluated: 2026-04-06. Review status: criteria provided, single submitter. Criteria: ACMG Guidelines, 2015. Collection method: clinical testing. Allele origin: germline.
Comment: This variant is classified as likely benign based on ACMG/AMP sequence variant interpretation guidelines (Richards et al. 2015 PMID: 25741868, with internal and published modifications).

NM_001113378.2(FANCI):c.3350-90C>A

Gene: FANCI (FA complementation group I; plus strand). Cytogenetic location: 15q26.1.
Variant type: single nucleotide variant.
Coding change: c.3350-90C>A on transcript NM_001113378.2 (MANE Select); 90 bases into the intron before coding-DNA position 3350, C replaced by A.
Molecular consequence: intron variant.
Genome position (GRCh38, 1-based): chr15:89,305,917, C>A. VCF-style: chr15-89305917-C-A. GRCh37 (hg19) VCF-style: chr15-89849148-C-A.
Other names: c.3170-90C>A (NM_018193.3); c.3350-90C>A (NM_001376911.1); c.3071-90C>A (NM_001376910.1).
Identifiers: ClinVar variation 4993322 (VCV004993322.1).
Genomic context (GRCh38, chr15:89,305,917, plus strand): 5'-TTATCACAGCACGATTAATTCACTCTGCATATTGAATGTTCGTTTTTCCATAAAGACTTT[C>A]TAGTTAGTAGTAATCAATTTCTAAATCTCCTTTACTCTTAATTAGAAAACGAAGTTGGGT-3'